The following is an entry in ClinVar:

ClinVar aggregate classification (germline): Uncertain significance (1 of 4 stars; one submission).

Submission:

Labcorp Genetics (formerly Invitae), Labcorp
Classification: Uncertain significance. Last evaluated: 2022-08-23. Review status: criteria provided, single submitter. Criteria: Invitae Variant Classification Sherloc (09022015). Collection method: clinical testing. Allele origin: germline.
Comment: In summary, the available evidence is currently insufficient to determine the role of this variant in disease. Therefore, it has been classified as a Variant of Uncertain Significance. Algorithms developed to predict the effect of missense changes on protein structure and function are either unavailable or do not agree on the potential impact of this missense change (SIFT: "Deleterious"; PolyPhen-2: "Benign"; Align-GVGD: "Class C0"). This variant has not been reported in the literature in individuals affected with TNFSF11-related conditions. This variant is not present in population databases (gnomAD no frequency). This sequence change replaces serine, which is neutral and polar, with asparagine, which is neutral and polar, at codon 63 of the TNFSF11 protein (p.Ser63Asn).

NM_003701.4(TNFSF11):c.188G>A (p.Ser63Asn)

Gene: TNFSF11 (TNF superfamily member 11; plus strand). Cytogenetic location: 13q14.11.
Variant type: single nucleotide variant.
Coding change: c.188G>A on transcript NM_003701.4 (MANE Select); coding-DNA position 188, G replaced by A.
Protein change: p.Ser63Asn; replaces serine 63 with asparagine.
Molecular consequence: missense variant. On other transcripts: intron variant (1).
Genome position (GRCh38, 1-based): chr13:42,574,491, G>A. VCF-style: chr13-42574491-G-A. GRCh37 (hg19) VCF-style: chr13-43148627-G-A.
Other names: c.-1+2753G>A (NM_033012.4); short protein forms S63N.
Identifiers: ClinVar variation 1994499 (VCV001994499.4), dbSNP rs2500694446, ClinGen allele CA388215303.